The following is an entry in ClinVar:

ClinVar aggregate classification (germline): Pathogenic/Likely pathogenic. Review status: criteria provided, multiple submitters, no conflicts (2 of 4 stars). 17 submissions from 16 submitters: Pathogenic (11); Likely pathogenic (3). 3 of the submissions do not count toward it. Last evaluated 2025-05-28.

Conditions:
PLA2G6-related disorder. Also called: PLA2G6-related condition.
Autosomal recessive Parkinson disease 14. Also called: PARKINSON DISEASE 14; DYSTONIA-PARKINSONISM, ADULT-ONSET. Identifiers: Orphanet 199351, MedGen C2751842, MONDO:0013060, OMIM 612953.
Infantile neuroaxonal dystrophy (NBIA2A). Also called: NEURODEGENERATION WITH BRAIN IRON ACCUMULATION 2A; SEITELBERGER DISEASE; Infantile neuroaxonal dystrophy 1. Identifiers: Orphanet 35069, MedGen C0270724, MONDO:0024457, OMIM 256600.
Neurodegeneration with brain iron accumulation 2B. Also called: aNAD; atypical Neuroaxonal Dystrophy (aNAD); NEUROAXONAL DYSTROPHY, ATYPICAL; NEURODEGENERATION WITH BRAIN IRON ACCUMULATION, PLA2G6-RELATED. Identifiers: Orphanet 35069, MedGen C1857747, MONDO:0012444, OMIM 610217.
Neurodegeneration with brain iron accumulation (NBIA). Identifiers: Orphanet 385, MedGen C2931845, MONDO:0018307.

Allele frequency attached by ClinVar (database versions not stated): ExAC 0.00023; TOPMed below 0.00001; gnomAD exomes 0.00009.
gnomAD v4.1: 59 of 1,553,238 alleles (0.0038%); highest among the groups gnomAD compares: South Asian, 0.044%; no homozygotes.

Submissions 1 to 12 of 17:

Labcorp Genetics (formerly Invitae), Labcorp
Classification: Pathogenic for Infantile neuroaxonal dystrophy. Last evaluated: 2025-05-28. Review status: criteria provided, single submitter. Criteria: Invitae Variant Classification Sherloc (09022015). Collection method: clinical testing. Allele origin: germline.
Comment: This sequence change replaces arginine, which is basic and polar, with glutamine, which is neutral and polar, at codon 741 of the PLA2G6 protein (p.Arg741Gln). This variant is present in population databases (rs121908686, gnomAD 0.05%). This missense change has been observed in individuals with dystonia-parkinsonism (PMID: 18570303, 20669327, 26196026, 26668131, 27268037). It has also been observed to segregate with disease in related individuals. ClinVar contains an entry for this variant (Variation ID: 6203). Invitae Evidence Modeling of protein sequence and biophysical properties (such as structural, functional, and spatial information, amino acid conservation, physicochemical variation, residue mobility, and thermodynamic stability) indicates that this missense variant is not expected to disrupt PLA2G6 protein function with a negative predictive value of 80%. For these reasons, this variant has been classified as Pathogenic.

Revvity Omics, Revvity
Classification: Pathogenic. Last evaluated: 2024-12-19. Review status: criteria provided, single submitter. Criteria: ACMG Guidelines, 2015. Collection method: clinical testing. Allele origin: germline.

Blueprint Genetics
Classification: Pathogenic for PLA2G6-related disorders. Last evaluated: 2024-10-24. Review status: criteria provided, single submitter. Criteria: ACMG Guidelines, 2015. Collection method: clinical testing. Allele origin: germline. Affected: yes. Observed: 4 variant alleles.

Fulgent Genetics
Classification: Pathogenic for Infantile neuroaxonal dystrophy; Neurodegeneration with brain iron accumulation 2B; Autosomal recessive Parkinson disease 14. Last evaluated: 2024-02-22. Review status: criteria provided, single submitter. Criteria: ACMG Guidelines, 2015. Collection method: clinical testing. Allele origin: germline.

GeneDx
Classification: Pathogenic. Last evaluated: 2023-11-21. Review status: criteria provided, single submitter. Criteria: GeneDx Variant Classification Process June 2021. Collection method: clinical testing. Allele origin: germline. Affected: yes.
Comment: Functional analyses have not demonstrated a consistent damaging effect of this variant on protein activity (PMID: 20886109, 29108286); In silico analysis supports that this missense variant does not alter protein structure/function; This variant is associated with the following publications: (PMID: 18570303, 27268037, 29108286, 25601130, 31196701, 26668131, 20669327, 26196026, 24182522, 35499206, 35113461, 35016069, 31069529, 35329915, 35803092, 35152491, 34622992, 32183746, 35911906, 34520727, 32707456, 32860008, 35005075, 34758253, 20886109, 34272103, 33452780, 34365112)

Mayo Clinic Laboratories, Mayo Clinic
Classification: Pathogenic. Last evaluated: 2023-09-13. Review status: criteria provided, single submitter. Criteria: ACMG Guidelines, 2015. Collection method: clinical testing. Allele origin: germline. Observed: 1 variant allele.
Comment: PP1_strong, PM2_moderate, PM3_strong, PM5

Women's Health and Genetics/Laboratory Corporation of America, LabCorp
Classification: Likely pathogenic for Neurodegeneration with brain iron accumulation. Last evaluated: 2023-02-17. Review status: criteria provided, single submitter. Criteria: LabCorp Variant Classification Summary - May 2015. Collection method: clinical testing. Allele origin: germline.
Comment: Variant summary: PLA2G6 c.2222G>A (p.Arg741Gln) results in a conservative amino acid change in the encoded protein sequence. Three of five in-silico tools predict a damaging effect of the variant on protein function. The variant allele was found at a frequency of 9e-05 in 154980 control chromosomes. This frequency is not significantly higher than estimated for a pathogenic variant in PLA2G6 causing Neurodegeneration With Brain Iron Accumulation (9e-05 vs 0.00085), allowing no conclusion about variant significance. c.2222G>A has been reported in the literature in multiple individuals affected with dystonia-parkinsonism, with homozygous individuals reported and family members showing segregation of the variant with potential low penetrance (Paisan-Ruiz_2009, Bohlega_2016, Kumar_2020). These data indicate that the variant is very likely to be associated with disease. A different variant at the same amino acid has been reported as pathogenic by ClinVar (p.Arg741Trp). Six clinical diagnostic laboratories have submitted clinical-significance assessments for this variant to ClinVar after 2014 without evidence for independent evaluation. All laboratories classified the variant as pathogenic/likely pathogenic. Based on the evidence outlined above, the variant was classified as likely pathogenic.

3billion
Classification: Pathogenic for Autosomal recessive Parkinson disease 14. Last evaluated: 2022-09-01. Review status: criteria provided, single submitter. Criteria: ACMG Guidelines, 2015. Collection method: clinical testing. Allele origin: germline. Affected: yes. Observed: 1 homozygote.
Comment: The variant is observed at an extremely low frequency in the gnomAD v2.1.1 dataset (total allele frequency: 0.009%). Missense changes are a common disease-causing mechanism. In silico tool predictions suggest damaging effect of the variant on gene or gene product (REVEL: 0.67; 3Cnet: 0.79). Same nucleotide change resulting in same amino acid change has been previously reported as pathogenic/likely pathogenic with strong evidence (ClinVar ID: VCV000006203). A different missense change at the same codon (p.Arg741Trp) has been reported as pathogenic/likely pathogenic with strong evidence (ClinVar ID: VCV000265448). Therefore, this variant is classified as Pathogenic according to the recommendation of ACMG/AMP guideline.

Foundation for Research in Genetics and Endocrinology, FRIGE's Institute of Human Genetics
Classification: Likely pathogenic for Autosomal recessive Parkinson disease 14. Last evaluated: 2019-12-02. Review status: criteria provided, single submitter. Criteria: ACMG Guidelines, 2015. Collection method: clinical testing. Allele origin: germline. Inheritance: Autosomal recessive inheritance. Affected: yes. Observed: 1 homozygote.
Comment: A homozygous missense variation in exon 16 of the PLA2G6 gene that results in the amino acid substitution of Glutamine for Arginine at codon 741 was detected. The observed variation has not been reported in 1000 genomes and has a minor allele frequency of 0.02% in ExAc database. The in silico predictions of the variant are probably damaging by Polyphen-2 (HumDiv) and damaging by Mutation Taster2. The reference codon is conserved across mammals. The observed variant has previously been observed in patients with adult onset dystonia Parkinsonism (Pasian-Ruiz et al. 2009). In summary, the variant meets our criteria to be classified as likely pathogenic.

CENTOGENE GmbH and LLC - Guiding Precision Medicine
Classification: Pathogenic for Neurodegeneration with brain iron accumulation 2B. Review status: criteria provided, single submitter. Criteria: ACMG Guidelines, 2015. Collection method: clinical testing. Allele origin: germline. Affected: yes.

Genomics England Pilot Project, Genomics England
Classification: Likely pathogenic for Autosomal recessive Parkinson disease 14. Review status: criteria provided, single submitter. Criteria: ACGS Guidelines, 2016. Collection method: clinical testing. Allele origin: germline. Affected: yes.

Juno Genomics, Hangzhou Juno Genomics, Inc
Classification: Pathogenic for Infantile neuroaxonal dystrophy; Neurodegeneration with brain iron accumulation 2B; Autosomal recessive Parkinson disease 14. Review status: criteria provided, single submitter. Criteria: ACMG Guidelines, 2015. Collection method: clinical testing. Allele origin: germline.
Comment: Absent from controls (or at extremely low frequency if recessive) in Genome Aggregation Database.;For recessive disorders, detected in trans with a pathogenic variant.;Co-segregation with disease in multiple affected family members.;Patient's phenotype or family history is highly specific for a disease with a single genetic etiology.;Novel missense change at an amino acid residue where a different missense change determined to be pathogenic has been seen before.;Multiple lines of computational evidence support a deleterious effect on the gene or gene product.

NM_003560.4(PLA2G6):c.2222G>A (p.Arg741Gln)

Gene: PLA2G6 (phospholipase A2 group VI; minus strand). Cytogenetic location: 22q13.1.
Variant type: single nucleotide variant.
Coding change: c.2222G>A on transcript NM_003560.4 (MANE Select); coding-DNA position 2222, G replaced by A.
Protein change: p.Arg741Gln; replaces arginine 741 with glutamine.
Molecular consequence: missense variant.
Genome position (GRCh38, 1-based): chr22:38,112,558, C>T on the plus strand (G>A on the coding strand, the complement: PLA2G6 is on the minus strand). VCF-style: chr22-38112558-C-T. GRCh37 (hg19) VCF-style: chr22-38508565-C-T.
Other names: c.2060G>A, p.Arg687Gln (NM_001004426.3, NM_001199562.3, NM_001349865.2 and 1 more transcripts); c.2222G>A, p.Arg741Gln (NM_001349864.2); c.1688G>A, p.Arg563Gln (NM_001349867.2); c.1544G>A, p.Arg515Gln (NM_001349868.2); c.1526G>A, p.Arg509Gln (NM_001349869.2); short protein forms R741Q, R515Q, R687Q, R509Q, R563Q.
Identifiers: ClinVar variation 6203 (VCV000006203.34), dbSNP rs121908686, ClinGen allele CA253797.